The following is an entry in ClinVar:

ClinVar aggregate classification (germline): Benign/Likely benign. Review status: criteria provided, multiple submitters, no conflicts (2 of 4 stars). 2 submissions from 2 submitters: Benign (1); Likely benign (1). Last evaluated 2018-08-30.

Conditions:
Charcot-Marie-Tooth disease type 4B1. Also called: CHARCOT-MARIE-TOOTH DISEASE, AUTOSOMAL RECESSIVE, WITH FOCALLY FOLDED MYELIN SHEATHS, AUTOSOMAL RECESSIVE, TYPE 4B1; CHARCOT-MARIE-TOOTH DISEASE, TYPE 4B; Charcot-Marie-Tooth Neuropathy Type 4B1; CHARCOT-MARIE-TOOTH DISEASE, DEMYELINATING, TYPE 4B1. Identifiers: Orphanet 99955, MedGen C1832399, MONDO:0011066, OMIM 601382.

Allele frequency attached by ClinVar (database versions not stated): gnomAD 0.00951 and 0.01009; TOPMed 0.01031; 1000 Genomes Project 0.01258; 1000 Genomes Project 30x 0.01265.
gnomAD v4.1: 2,617 of 1,384,422 alleles (0.19%); highest among the groups gnomAD compares: African/African-American, 3.4%; 48 homozygotes.

Submissions (2):

GeneDx
Classification: Likely benign. Last evaluated: 2018-08-30. Review status: criteria provided, single submitter. Criteria: GeneDx Variant Classification Process June 2021. Collection method: clinical testing. Allele origin: germline. Affected: yes.

Illumina Laboratory Services, Illumina
Classification: Benign for Charcot-Marie-Tooth disease type 4B1. Last evaluated: 2018-01-13. Review status: criteria provided, single submitter. Criteria: ICSL Variant Classification Criteria 13 December 2019. Collection method: clinical testing. Allele origin: germline.
Comment: This variant was observed in the ICSL laboratory as part of a predisposition screen in an ostensibly healthy population. It had not been previously curated by ICSL or reported in the Human Gene Mutation Database (HGMD: prior to June 1st, 2018), and was therefore a candidate for classification through an automated scoring system. Utilizing variant allele frequency, disease prevalence and penetrance estimates, and inheritance mode, an automated score was calculated to assess if this variant is too frequent to cause the disease. Based on the score and internal cut-off values, a variant classified as benign is not then subjected to further curation. The score for this variant resulted in a classification of benign for this disease.

NM_016156.6(MTMR2):c.*85A>C

Gene: MTMR2 (myotubularin related protein 2; minus strand). Cytogenetic location: 11q21.
Variant type: single nucleotide variant.
Coding change: c.*85A>C on transcript NM_016156.6 (MANE Select); 85 bases downstream of the stop codon, A replaced by C.
Molecular consequence: 3 prime UTR variant.
Genome position (GRCh38, 1-based): chr11:95,835,205, T>G on the plus strand (A>C on the coding strand, the complement: MTMR2 is on the minus strand). VCF-style: chr11-95835205-T-G. GRCh37 (hg19) VCF-style: chr11-95568369-T-G.
Other names: c.*85A>C (NM_001243571.2, NM_201278.3, NM_201281.3).
Identifiers: ClinVar variation 306532 (VCV000306532.7), dbSNP rs578159, ClinGen allele CA10639740.